The following is an entry in ClinVar:

ClinVar aggregate classification (germline): Uncertain significance (1 of 4 stars; one submission).

gnomAD v4.1: 2 of 1,612,970 alleles (0.00012%); highest among the groups gnomAD compares: Admixed American, 0.0033%; no homozygotes.

Submission:

Labcorp Genetics (formerly Invitae), Labcorp
Classification: Uncertain significance. Last evaluated: 2024-03-24. Review status: criteria provided, single submitter. Criteria: Invitae Variant Classification Sherloc (09022015). Collection method: clinical testing. Allele origin: germline.
Comment: This sequence change replaces glycine, which is neutral and non-polar, with glutamic acid, which is acidic and polar, at codon 41 of the CFB protein (p.Gly41Glu). This variant is present in population databases (rs746804320, gnomAD 0.003%). This variant has not been reported in the literature in individuals affected with CFB-related conditions. Advanced modeling of protein sequence and biophysical properties (such as structural, functional, and spatial information, amino acid conservation, physicochemical variation, residue mobility, and thermodynamic stability) performed at Invitae indicates that this missense variant is not expected to disrupt CFB protein function with a negative predictive value of 80%. In summary, the available evidence is currently insufficient to determine the role of this variant in disease. Therefore, it has been classified as a Variant of Uncertain Significance.

NM_001710.6(CFB):c.122G>A (p.Gly41Glu)

Gene: CFB (complement factor B; plus strand). Cytogenetic location: 6p21.33.
Variant type: single nucleotide variant.
Coding change: c.122G>A on transcript NM_001710.6 (MANE Select); coding-DNA position 122, G replaced by A.
Protein change: p.Gly41Glu; replaces glycine 41 with glutamic acid.
Molecular consequence: missense variant.
Genome position (GRCh38, 1-based): chr6:31,946,430, G>A. VCF-style: chr6-31946430-G-A. GRCh37 (hg19) VCF-style: chr6-31914207-G-A.
Other names: short protein forms G41E.
Identifiers: ClinVar variation 3620998 (VCV003620998.2).